The following is an entry in ClinVar:

ClinVar aggregate classification (germline): Likely benign (1 of 4 stars; one submission).

Allele frequency attached by ClinVar (database versions not stated): 1000 Genomes Project 0.00100; 1000 Genomes Project 30x 0.00109; ExAC 0.00232; gnomAD 0.00250; ESP Exome Variant Server 0.00252; TOPMed 0.00267; gnomAD exomes 0.00358.
gnomAD v4.1: 5,582 of 1,612,528 alleles (0.35%); highest among the groups gnomAD compares: Non-Finnish European, 0.43%; 17 homozygotes.

Submission:

CeGaT Center for Human Genetics Tuebingen
Classification: Likely benign. Last evaluated: 2024-04-01. Review status: criteria provided, single submitter. Criteria: CeGaT Center For Human Genetics Tuebingen Variant Classification Criteria Version 2. Collection method: clinical testing. Allele origin: germline. Affected: yes. Observed: 1 variant allele.
Comment: SRRM4: BP4, BS2

NM_194286.4(SRRM4):c.140C>T (p.Pro47Leu)

Gene: SRRM4 (serine/arginine repetitive matrix 4; plus strand). Cytogenetic location: 12q24.23.
Variant type: single nucleotide variant.
Coding change: c.140C>T on transcript NM_194286.4 (MANE Select); coding-DNA position 140, C replaced by T.
Protein change: p.Pro47Leu; replaces proline 47 with leucine.
Molecular consequence: missense variant.
Genome position (GRCh38, 1-based): chr12:119,102,244, C>T. VCF-style: chr12-119102244-C-T. GRCh37 (hg19) VCF-style: chr12-119540049-C-T.
Other names: short protein forms P47L.
Identifiers: ClinVar variation 3234197 (VCV003234197.20), dbSNP rs182742763, ClinGen allele CA6818912.